The following is an entry in ClinVar:

NM_004239.4(TRIP11):c.3478C>T (p.Gln1160Ter)

Gene: TRIP11 (thyroid hormone receptor interactor 11; minus strand). Cytogenetic location: 14q32.12.
Variant type: single nucleotide variant.
Coding change: c.3478C>T on transcript NM_004239.4 (MANE Select); coding-DNA position 3478, C replaced by T.
Protein change: p.Gln1160Ter; replaces glutamine 1160 with a stop codon.
Molecular consequence: nonsense.
Genome position (GRCh38, 1-based): chr14:92,004,498, G>A on the plus strand (C>T on the coding strand, the complement: TRIP11 is on the minus strand). VCF-style: chr14-92004498-G-A. GRCh37 (hg19) VCF-style: chr14-92470842-G-A.
Other names: c.3475C>T, p.Gln1159Ter (NM_001321851.1); short protein forms Q1159*, Q1160*.
Identifiers: ClinVar variation 692166 (VCV000692166.1), dbSNP rs1595387492, ClinGen allele CA390652357.

ClinVar aggregate classification (germline): Pathogenic (1 of 4 stars; one submission).

Conditions:
Achondrogenesis, type IA (ACG1A). Identifiers: Orphanet 932, Orphanet 93299, MedGen C0265273, MONDO:0008701, OMIM 200600.

Submission:

SIB Swiss Institute of Bioinformatics
Classification: Pathogenic for Achondrogenesis, type IA. Last evaluated: 2019-06-27. Review status: criteria provided, single submitter. Criteria: ACMG Guidelines, 2015. Collection method: curation. Allele origin: unknown.
Comment: This variant is interpreted as a Pathogenic for Achondrogenesis 1A, autosomal recessive. The following ACMG Tag(s) were applied: PM2, PVS1, PS3-Moderate.

Literature cited by the submitters: PubMed 30728324.